The following is an entry in ClinVar:

NM_001271.4(CHD2):c.5476C>T (p.Arg1826Trp)

Gene: CHD2 (chromodomain helicase DNA binding protein 2; plus strand). Cytogenetic location: 15q26.1.
Variant type: single nucleotide variant.
Coding change: c.5476C>T on transcript NM_001271.4 (MANE Select); coding-DNA position 5476, C replaced by T.
Protein change: p.Arg1826Trp; replaces arginine 1826 with tryptophan.
Molecular consequence: missense variant.
Genome position (GRCh38, 1-based): chr15:93,024,694, C>T. VCF-style: chr15-93024694-C-T. GRCh37 (hg19) VCF-style: chr15-93567924-C-T.
Other names: short protein forms R1826W.
Identifiers: ClinVar variation 1003071 (VCV001003071.10), dbSNP rs759398974, ClinGen allele CA7748746.
Genomic context (GRCh38, chr15:93,024,694, plus strand): 5'-AGGTCTCCTTTGGAGAGATCACTAGAACAGAAAAACAACCCAGATTATAACTGGAATGTT[C>T]GGAAAACATAAAGGACAGCTCGTAAAGGAGAGAGTAAGAGTCACCAAACACGTGGATATT-3'
Protein context (NP_001262.3, residues 1816-1828): KNNPDYNWNV[Arg1826Trp]KT

ClinVar aggregate classification (germline): Uncertain significance. Review status: criteria provided, multiple submitters, no conflicts (2 of 4 stars). 2 submissions from 2 submitters: Uncertain significance (2). Last evaluated 2024-09-22.

Conditions:
Developmental and epileptic encephalopathy 94 (DEE94). Also called: CHD2-Related Neurodevelopmental Disorders; Epileptic encephalopathy, childhood-onset. Identifiers: Orphanet 1942, Orphanet 2382, MedGen C3809278, MONDO:0014150, OMIM 615369.

Allele frequency attached by ClinVar (database versions not stated): gnomAD 0.00001; ExAC 0.00002; gnomAD exomes 0.00002.
gnomAD v4.1: 7 of 1,609,330 alleles (0.00043%); highest among the groups gnomAD compares: Non-Finnish European, 0.00025%; no homozygotes.

Submissions (2):

Labcorp Genetics (formerly Invitae), Labcorp
Classification: Uncertain significance for Developmental and epileptic encephalopathy 94. Last evaluated: 2024-09-22. Review status: criteria provided, single submitter. Criteria: Invitae Variant Classification Sherloc (09022015). Collection method: clinical testing. Allele origin: germline.
Comment: This sequence change replaces arginine, which is basic and polar, with tryptophan, which is neutral and slightly polar, at codon 1826 of the CHD2 protein (p.Arg1826Trp). This variant is present in population databases (rs759398974, gnomAD 0.003%). This variant has not been reported in the literature in individuals affected with CHD2-related conditions. ClinVar contains an entry for this variant (Variation ID: 1003071). Invitae Evidence Modeling of protein sequence and biophysical properties (such as structural, functional, and spatial information, amino acid conservation, physicochemical variation, residue mobility, and thermodynamic stability) indicates that this missense variant is not expected to disrupt CHD2 protein function with a negative predictive value of 95%. In summary, the available evidence is currently insufficient to determine the role of this variant in disease. Therefore, it has been classified as a Variant of Uncertain Significance.

Centre of Medical Genetics, University Hospital Muenster
Classification: Uncertain significance. Last evaluated: 2021-12-08. Review status: criteria provided, single submitter. Criteria: ACMG Guidelines, 2015. Collection method: clinical testing. Allele origin: unknown. Affected: yes. Observed: 1 variant allele, 1 heterozygote.
Comment: ACMG categories: PM2,PP3,BP1